The following is an entry in ClinVar:

NM_000346.4(SOX9):c.1312_1330del (p.Ser438fs)

Gene: SOX9 (SRY-box transcription factor 9; plus strand). Cytogenetic location: 17q24.3.
Variant type: Deletion.
Coding change: c.1312_1330del on transcript NM_000346.4 (MANE Select); coding-DNA positions 1312 to 1330, 19 bases deleted (TCACAGTACGACTACACCG).
Protein change: p.Ser438fs; shifts the reading frame from serine 438.
Molecular consequence: frameshift variant.
Genome position (GRCh38, 1-based): chr17:72,124,169-72,124,187, TCACAGTACGACTACACCG deleted. VCF-style (leftmost placement, unchanged base first): chr17-72124168-CTCACAGTACGACTACACCG-C. GRCh37 (hg19) VCF-style: chr17-70120309-CTCACAGTACGACTACACCG-C.
Other names: short protein forms S438fs.
Identifiers: ClinVar variation 812008 (VCV000812008.8), dbSNP rs1598176962, ClinGen allele CA915952177.
Genomic context (GRCh38, chr17:72,124,168, plus strand): 5'-GATCGCCTACAGCCCCTTCAACCTCCCACACTACAGCCCCTCCTACCCGCCCATCACCCG[CTCACAGTACGACTACACCG>C]ACCACCAGAACTCCAGCTCCTACTACAGCCACGCGGCAGGCCAGGGCACCGGCCTCTACT-3'

ClinVar aggregate classification (germline): Pathogenic (1 of 4 stars; one submission).

Submission:

ARUP Laboratories, Molecular Genetics and Genomics, ARUP Laboratories
Classification: Pathogenic. Last evaluated: 2019-05-03. Review status: criteria provided, single submitter. Criteria: ARUP Molecular Germline Variant Investigation Process. Collection method: clinical testing. Allele origin: germline.
Comment: The SOX9 c.1312_1330del19; p.Ser438fs variant, to our knowledge, is not reported in the medical literature or gene specific databases. This variant is also absent from general population databases (Exome Variant Server, Genome Aggregation Database), indicating it is not a common polymorphism. This variant causes a frameshift by deleting 19 nucleotides, so it is predicted to result in a truncated protein or mRNA subject to nonsense-mediated decay. Similar frameshift variants have been reported in individuals with campomelic dysplasia, and are considered pathogenic (Kim 2011, Wada 2009). Based on available information, the p.Ser438fs variant is considered to be pathogenic. References: Kim HY et al. A case of campomelic dysplasia without sex reversal. J Korean Med Sci. 2011 Jan;26(1):143-5. Wada Y et al. Mutation analysis of SOX9 and single copy number variant analysis of the upstream region in eight patients with campomelic dysplasia and acampomelic campomelic dysplasia. Am J Med Genet A. 2009 Dec;149A(12):2882-5.